The following is an entry in ClinVar:

ClinVar aggregate classification (germline): Uncertain significance (1 of 4 stars; one submission).

Conditions:
Hereditary cancer-predisposing syndrome. Also called: Neoplastic Syndromes, Hereditary; Tumor predisposition; Hereditary Cancer Syndrome; Hereditary neoplastic syndrome. Identifiers: Orphanet 140162, MedGen C0027672, MeSH D009386, MONDO:0015356.

gnomAD v4.1: 1 of 1,613,502 alleles (0.000062%); highest among the groups gnomAD compares: Non-Finnish European, 0.000085%; no homozygotes.

Submission:

Ambry Genetics
Classification: Uncertain significance for Hereditary cancer-predisposing syndrome. Last evaluated: 2026-07-28. Review status: criteria provided, single submitter. Criteria: Ambry Variant Classification Scheme 2023. Collection method: clinical testing. Allele origin: germline.
Comment: The p.G1105E variant (also known as c.3314G>A) is located in coding exon 15 of the MET gene. The glycine at codon 1105 is replaced by glutamic acid, an amino acid with similar properties. This change occurs in the first base pair of coding exon 15. This amino acid position is highly conserved in available vertebrate species. In addition, this alteration is predicted to be deleterious by in silico analysis. Based on the available evidence, the clinical significance of this variant remains unclear.

NM_000245.4(MET):c.3260G>A (p.Gly1087Glu)

Gene: MET (MET proto-oncogene, receptor tyrosine kinase; plus strand). Cytogenetic location: 7q31.2.
Variant type: single nucleotide variant.
Coding change: c.3260G>A on transcript NM_000245.4 (MANE Select); coding-DNA position 3260, G replaced by A.
Protein change: p.Gly1087Glu; replaces glycine 1087 with glutamic acid.
Molecular consequence: missense variant.
Genome position (GRCh38, 1-based): chr7:116,777,389, G>A. VCF-style: chr7-116777389-G-A. GRCh37 (hg19) VCF-style: chr7-116417443-G-A.
Other names: c.3314G>A, p.Gly1105Glu (NM_001127500.3); c.1970G>A, p.Gly657Glu (NM_001324402.2); short protein forms G657E, G1087E, G1105E.
Identifiers: ClinVar variation 3294332 (VCV003294332.2).